The following is an entry in ClinVar:

ClinVar aggregate classification (germline): conflicting data from submitters (0 of 4 stars; one submission).

Submission:

ISCA site 1
Classification: conflicting data from submitters. Last evaluated: 2015-02-05. Review status: no assertion criteria provided. Collection method: clinical testing. Allele origin: maternal, unknown. Affected: yes. Observed: 2 variant alleles.
Comment: Uncertain significance(1), Likely benign (1)

Copy number variation identified through the course of routine clinical cytogenomic testing in postnatal populations, with clinical assertions as classified by the original submitter. For data from the original published study, Kaminsky, et al. 2011 (PubMed 21844811), please see nstd101.

GRCh38/hg38 12q21.32(chr12:86403298-87522344)x3

Genes: MGAT4C (MGAT4 family member C; minus strand), MIR3059 (microRNA 3059; minus strand), LOC105369879 (uncharacterized LOC105369879; plus strand), LOC126861590 (BRD4-independent group 4 enhancer GRCh37_chr12:87815167-87816366; plus strand), LOC130008343 (ATAC-STARR-seq lymphoblastoid active region 6696; plus strand) and 1 more. Cytogenetic location: 12q21.32.
Variant type: copy number gain.
Change: copy number 3 (three copies instead of two) of chr12:86,403,298-87,522,344 (1.12 Mb, GRCh38 coordinates, 1-based), cytogenetic band 12q21.32.
Identifiers: ClinVar variation 153857 (VCV000153857.2).